The following is an entry in ClinVar:

NM_006767.4(LZTR1):c.1859T>G (p.Leu620Arg)

Gene: LZTR1 (leucine zipper like post translational regulator 1; plus strand). Cytogenetic location: 22q11.21.
Variant type: single nucleotide variant.
Coding change: c.1859T>G on transcript NM_006767.4 (MANE Select); coding-DNA position 1859, T replaced by G.
Protein change: p.Leu620Arg; replaces leucine 620 with arginine.
Molecular consequence: missense variant.
Genome position (GRCh38, 1-based): chr22:20,994,943, T>G. VCF-style: chr22-20994943-T-G. GRCh37 (hg19) VCF-style: chr22-21349232-T-G.
Other names: short protein forms L620R.
Identifiers: ClinVar variation 2447732 (VCV002447732.2), dbSNP rs2518622474, ClinGen allele CA410778614.

ClinVar aggregate classification (germline): Uncertain significance (1 of 4 stars; one submission).

Conditions:
Cardiovascular phenotype. Identifiers: MedGen CN230736.
Hereditary cancer-predisposing syndrome. Also called: Neoplastic Syndromes, Hereditary; Hereditary Cancer Syndrome; Tumor predisposition; Hereditary neoplastic syndrome. Identifiers: Orphanet 140162, MedGen C0027672, MeSH D009386, MONDO:0015356.

Submission:

Ambry Genetics
Classification: Uncertain significance for Cardiovascular phenotype; Hereditary cancer-predisposing syndrome. Last evaluated: 2023-01-07. Review status: criteria provided, single submitter. Criteria: Ambry Variant Classification Scheme 2023. Collection method: clinical testing. Allele origin: germline.
Comment: The p.L620R variant (also known as c.1859T>G), located in coding exon 16 of the LZTR1 gene, results from a T to G substitution at nucleotide position 1859. The leucine at codon 620 is replaced by arginine, an amino acid with dissimilar properties. This amino acid position is conserved. In addition, this alteration is predicted to be deleterious by in silico analysis. Since supporting evidence is limited at this time, the clinical significance of this alteration remains unclear.